The following is an entry in ClinVar:

ClinVar aggregate classification (germline): Uncertain significance (1 of 4 stars; one submission).

Submission:

Dasa
Classification: Uncertain significance. Last evaluated: 2025-11-28. Review status: criteria provided, single submitter. Criteria: DASA Assertion Criteria. Collection method: clinical testing. Allele origin: germline.
Comment: NM_030632.3(ASXL3):c.4136G>A (p.Ser1379Asn) is a missense variant that results in the substitution of serine with asparagine. This variant is rare in population databases. Computational prediction algorithms are consistent with a benign effect. The currently available literature and clinical evidence are not sufficient to establish a definitive association between this variant and the reported condition. Therefore, this variant is classified as a variant of uncertain significance.

NM_030632.3(ASXL3):c.4136G>A (p.Ser1379Asn)

Gene: ASXL3 (ASXL transcriptional regulator 3; plus strand). Cytogenetic location: 18q12.1.
Variant type: single nucleotide variant.
Coding change: c.4136G>A on transcript NM_030632.3 (MANE Select); coding-DNA position 4136, G replaced by A.
Protein change: p.Ser1379Asn; replaces serine 1379 with asparagine.
Molecular consequence: missense variant.
Genome position (GRCh38, 1-based): chr18:33,743,984, G>A. VCF-style: chr18-33743984-G-A. GRCh37 (hg19) VCF-style: chr18-31323948-G-A.
Other names: short protein forms S1379N.
Identifiers: ClinVar variation 4883542 (VCV004883542.2).